The following is an entry in ClinVar:

NM_000053.4(ATP7B):c.509G>T (p.Gly170Val)

Gene: ATP7B (ATPase copper transporting beta; minus strand). Cytogenetic location: 13q14.3.
Variant type: single nucleotide variant.
Coding change: c.509G>T on transcript NM_000053.4 (MANE Select); coding-DNA position 509, G replaced by T.
Protein change: p.Gly170Val; replaces glycine 170 with valine.
Molecular consequence: missense variant.
Genome position (GRCh38, 1-based): chr13:51,974,711, C>A on the plus strand (G>T on the coding strand, the complement: ATP7B is on the minus strand). VCF-style: chr13-51974711-C-A. GRCh37 (hg19) VCF-style: chr13-52548847-C-A.
Other names: c.509G>T, p.Gly170Val (NM_001005918.3, NM_001243182.2, NM_001330578.2 and 30 more transcripts); c.413G>T, p.Gly138Val (NM_001406517.1, NM_001406518.1, NM_001406530.1 and 4 more transcripts); short protein forms G138V, G170V.
Identifiers: ClinVar variation 3339344 (VCV003339344.1).

ClinVar aggregate classification (germline): Uncertain significance (1 of 4 stars; one submission).

Submission:

Women's Health and Genetics/Laboratory Corporation of America, LabCorp
Classification: Uncertain significance. Last evaluated: 2024-07-24. Review status: criteria provided, single submitter. Criteria: LabCorp Variant Classification Summary - May 2015. Collection method: clinical testing. Allele origin: germline.
Comment: Variant summary: ATP7B c.509G>T (p.Gly170Val) results in a non-conservative amino acid change located in the Heavy metal-associated domain, HMA (IPR006121) of the encoded protein sequence. Five of five in-silico tools predict a damaging effect of the variant on protein function. The frequency data for this variant in gnomAD is considered unreliable, as metrics indicate poor data quality at this position. c.509G>T has been reported in the literature in at least one individual affected with Wilson Disease without reported genotype (e.g. Lepori_2012). This report does not provide unequivocal conclusions about association of the variant with Wilson Disease. To our knowledge, no experimental evidence demonstrating an impact on protein function has been reported. The following publication has been ascertained in the context of this evaluation (PMID: 22484412). No submitters have cited clinical-significance assessments for this variant to ClinVar. Based on the evidence outlined above, the variant was classified as uncertain significance.

Literature cited by the submitters: PubMed 22484412.